The following is an entry in ClinVar:

ClinVar aggregate classification (germline): Uncertain significance (1 of 4 stars; one submission).

Submission:

Ambry Genetics
Classification: Uncertain significance. Last evaluated: 2025-05-24. Review status: criteria provided, single submitter. Criteria: Ambry Variant Classification Scheme 2023. Collection method: clinical testing. Allele origin: germline.
Comment: The p.N260H variant (also known as c.778A>C), located in coding exon 4 of the TMPO gene, results from an A to C substitution at nucleotide position 778. The asparagine at codon 260 is replaced by histidine, an amino acid with similar properties. This amino acid position is conserved. In addition, this alteration is predicted to be tolerated by in silico analysis. Based on the available evidence, the clinical significance of this variant remains unclear.

NM_001032283.3(TMPO):c.565+1197A>C

Gene: TMPO (thymopoietin; plus strand). Cytogenetic location: 12q23.1.
Variant type: single nucleotide variant.
Coding change: c.565+1197A>C on transcript NM_001032283.3 (MANE Select); 1197 bases into the intron after coding-DNA position 565, A replaced by C.
Molecular consequence: intron variant. On other transcripts: missense variant (1).
Genome position (GRCh38, 1-based): chr12:98,533,035, A>C. VCF-style: chr12-98533035-A-C. GRCh37 (hg19) VCF-style: chr12-98926813-A-C.
Other names: c.778A>C, p.Asn260His (NM_003276.2); c.565+1197A>C (NM_001307975.2, NM_001032284.3); short protein forms N260H.
Identifiers: ClinVar variation 3970998 (VCV003970998.1).